The following is an entry in ClinVar:

ClinVar aggregate classification (germline): Benign. Review status: criteria provided, multiple submitters, no conflicts (2 of 4 stars). 2 submissions from 2 submitters: Benign (2). Last evaluated 2018-06-14.

Allele frequency attached by ClinVar (database versions not stated): 1000 Genomes Project 0.02556; 1000 Genomes Project 30x 0.02686; TOPMed 0.04557; gnomAD 0.05265 and 0.05396.

Submissions (3):

GeneDx
Classification: Benign. Last evaluated: 2018-06-14. Review status: criteria provided, single submitter. Criteria: GeneDx Variant Classification (06012015). Collection method: clinical testing. Allele origin: germline. Affected: yes.
Comment: This variant is considered likely benign or benign based on one or more of the following criteria: it is a conservative change, it occurs at a poorly conserved position in the protein, it is predicted to be benign by multiple in silico algorithms, and/or has population frequency not consistent with disease.

Breakthrough Genomics
Classification: Benign. Review status: criteria provided, single submitter. Criteria: ACMG Guidelines, 2015. Collection method: not provided. Allele origin: germline. Inheritance: Autosomal dominant inheritance. Affected: yes.

Dr. Peter K. Rogan Lab, Western University
No classification provided (evidence only). Condition: Gastric cancer. Review status: no classification provided. Collection method: in vitro. Allele origin: not applicable. Functional consequence: retained intron. Not counted in ClinVar's aggregate classification.

NM_001844.5(COL2A1):c.4074+162G>A

Gene: COL2A1 (collagen type II alpha 1 chain; minus strand). Cytogenetic location: 12q13.11.
Variant type: single nucleotide variant.
Coding change: c.4074+162G>A on transcript NM_001844.5 (MANE Select); 162 bases into the intron after coding-DNA position 4074, G replaced by A.
Molecular consequence: intron variant.
Genome position (GRCh38, 1-based): chr12:47,974,513, C>T on the plus strand (G>A on the coding strand, the complement: COL2A1 is on the minus strand). VCF-style: chr12-47974513-C-T. GRCh37 (hg19) VCF-style: chr12-48368296-C-T.
Other names: NC_000012.11:g.48368296C>T; c.3867+162G>A (NM_033150.3).
Identifiers: ClinVar variation 677910 (VCV000677910.3), dbSNP rs12721426, ClinGen allele CA236516260.